The following is an entry in ClinVar:

NM_020208.4(SLC6A20):c.*1422A>G

Gene: SLC6A20 (solute carrier family 6 member 20; minus strand). Cytogenetic location: 3p21.31.
Variant type: single nucleotide variant.
Coding change: c.*1422A>G on transcript NM_020208.4 (MANE Select); 1422 bases downstream of the stop codon, A replaced by G.
Molecular consequence: 3 prime UTR variant.
Genome position (GRCh38, 1-based): chr3:45,757,556, T>C on the plus strand (A>G on the coding strand, the complement: SLC6A20 is on the minus strand). VCF-style: chr3-45757556-T-C. GRCh37 (hg19) VCF-style: chr3-45799048-T-C.
Other names: c.*1422A>G (NM_022405.4).
Identifiers: ClinVar variation 345372 (VCV000345372.5), dbSNP rs570836605, ClinGen allele CA10615964.

ClinVar aggregate classification (germline): Likely benign (1 of 4 stars; one submission).

Conditions:
Hyperglycinuria. Also called: GLYCINURIA WITH OR WITHOUT OXALATE NEPHROLITHIASIS; GLYCINURIA WITH OR WITHOUT OXALATE UROLITHIASIS; IMINOGLYCINURIA TYPE II. Identifiers: MedGen C0543541, MONDO:0007677, OMIM 138500, HP:0003108.

Allele frequency attached by ClinVar (database versions not stated): 1000 Genomes Project 0.00040; 1000 Genomes Project 30x 0.00062; TOPMed 0.00077; gnomAD 0.00091 and 0.00092; gnomAD exomes 0.00481.
gnomAD v4.1: 142 of 152,782 alleles (0.093%); highest among the groups gnomAD compares: Middle Eastern, 0.34%; 1 homozygote.

Submission:

Illumina Laboratory Services, Illumina
Classification: Likely benign for Hyperglycinuria. Last evaluated: 2018-01-13. Review status: criteria provided, single submitter. Criteria: ICSL Variant Classification Criteria 13 December 2019. Collection method: clinical testing. Allele origin: germline.
Comment: This variant was observed in the ICSL laboratory as part of a predisposition screen in an ostensibly healthy population. It had not been previously curated by ICSL or reported in the Human Gene Mutation Database (HGMD: prior to June 1st, 2018), and was therefore a candidate for classification through an automated scoring system. Utilizing variant allele frequency, disease prevalence and penetrance estimates, and inheritance mode, an automated score was calculated to assess if this variant is too frequent to cause the disease. Based on the score and internal cut-off values, a variant classified as likely benign is not then subjected to further curation. The score for this variant resulted in a classification of likely benign for this disease.